The following is an entry in ClinVar:

NM_000237.3(LPL):c.1263G>A (p.Trp421Ter)

Gene: LPL (lipoprotein lipase; plus strand). Cytogenetic location: 8p21.3.
Variant type: single nucleotide variant.
Coding change: c.1263G>A on transcript NM_000237.3 (MANE Select); coding-DNA position 1263, G replaced by A.
Protein change: p.Trp421Ter; replaces tryptophan 421 with a stop codon.
Molecular consequence: nonsense.
Genome position (GRCh38, 1-based): chr8:19,961,024, G>A. VCF-style: chr8-19961024-G-A. GRCh37 (hg19) VCF-style: chr8-19818535-G-A.
Other names: short protein forms W421*.
Identifiers: ClinVar variation 1070373 (VCV001070373.5), dbSNP rs2070033559, ClinGen allele CA370638788.

ClinVar aggregate classification (germline): Pathogenic (1 of 4 stars; one submission).

Allele frequency attached by ClinVar (database versions not stated): gnomAD exomes below 0.00001.
gnomAD v4.1: 1 of 1,614,130 alleles (0.000062%); highest among the groups gnomAD compares: Non-Finnish European, 0.000085%; no homozygotes.

Submission:

Labcorp Genetics (formerly Invitae), Labcorp
Classification: Pathogenic. Last evaluated: 2023-07-07. Review status: criteria provided, single submitter. Criteria: Invitae Variant Classification Sherloc (09022015). Collection method: clinical testing. Allele origin: germline.
Comment: For these reasons, this variant has been classified as Pathogenic. This sequence change creates a premature translational stop signal (p.Trp421*) in the LPL gene. It is expected to result in an absent or disrupted protein product. Loss-of-function variants in LPL are known to be pathogenic (PMID: 11334614). This variant is not present in population databases (gnomAD no frequency). This premature translational stop signal has been observed in individual(s) with chylomicronemia (PMID: 27153815). In at least one individual the data is consistent with being in trans (on the opposite chromosome) from a pathogenic variant. ClinVar contains an entry for this variant (Variation ID: 1070373).

Literature cited by the submitters: PubMed 11334614; PubMed 27153815.